The following is an entry in ClinVar:

ClinVar aggregate classification (germline): Likely benign (0 of 4 stars; one submission).

Conditions:
PLCD1-related disorder. Also called: PLCD1-related condition.

Allele frequency attached by ClinVar (database versions not stated): TOPMed 0.00007; ESP Exome Variant Server 0.00008; gnomAD 0.00010; ExAC 0.00012; 1000 Genomes Project 30x 0.00016; 1000 Genomes Project 0.00020.
gnomAD v4.1: 197 of 1,614,210 alleles (0.012%); highest among the groups gnomAD compares: East Asian, 0.051%; no homozygotes.

Submission:

PreventionGenetics, part of Exact Sciences
Classification: Likely benign for PLCD1-related condition. Last evaluated: 2019-10-18. Review status: no assertion criteria provided. Collection method: clinical testing. Allele origin: germline.
Comment: This variant is classified as likely benign based on ACMG/AMP sequence variant interpretation guidelines (Richards et al. 2015 PMID: 25741868, with internal and published modifications).

NM_006225.4(PLCD1):c.993-5C>T

Gene: PLCD1 (phospholipase C delta 1; minus strand). Cytogenetic location: 3p22.2.
Variant type: single nucleotide variant.
Coding change: c.993-5C>T on transcript NM_006225.4 (MANE Select); 5 bases into the intron before coding-DNA position 993, C replaced by T.
Molecular consequence: intron variant.
Genome position (GRCh38, 1-based): chr3:38,010,280, G>A on the plus strand (C>T on the coding strand, the complement: PLCD1 is on the minus strand). VCF-style: chr3-38010280-G-A. GRCh37 (hg19) VCF-style: chr3-38051771-G-A.
Other names: c.1056-5C>T (NM_001130964.2).
Identifiers: ClinVar variation 3046127 (VCV003046127.2), dbSNP rs200538442, ClinGen allele CA2313180.
Genomic context (GRCh38, chr3:38,010,280, plus strand): 5'-GGTTGGGCCCGTCCCAGCAGTCAAGCTCCAGGCATCGGCAGCCTTTGCACAGTGCCCTGC[G>A]GGGAGGGTGGTGGCTAGGACCCTCCAGGTCCTGTCCCGGGTCCCACCCAGACTCCCGACC-3'